The following is an entry in ClinVar:

ClinVar aggregate classification (germline): Uncertain significance. Review status: reviewed by expert panel (3 of 4 stars). 10 submissions from 10 submitters: Uncertain significance (1). 9 of the submissions do not count toward it. Last evaluated 2023-10-18.

Conditions:
Usher syndrome. Also called: Usher Syndromes; Usher's syndrome. Identifiers: Orphanet 886, MedGen CN469326, MeSH D052245, MONDO:0019501. Disease mechanism: loss of function.
Pituitary adenoma 5, multiple types. Identifiers: MedGen C4539685, MONDO:0054601, OMIM 617540.
CDH23-related disorder. Also called: CDH23-related condition; CDH23-related disorders.
Nonsyndromic genetic hearing loss. Also called: Nonsyndromic hearing loss and deafness; Nonsyndromic genetic deafness; Non-syndromic genetic deafness. Identifiers: Orphanet 87884, MedGen C5680182, MONDO:0019497.
Usher syndrome type 1 (USH1). Also called: RETINITIS PIGMENTOSA AND CONGENITAL DEAFNESS. Identifiers: Orphanet 231169, Orphanet 886, MedGen C1568247, MONDO:0010168, OMIM 276900.
Usher syndrome type 1D (USH1D). Also called: USHER SYNDROME, TYPE ID. Identifiers: Orphanet 231169, Orphanet 886, MedGen C1832845, MONDO:0010984, OMIM 601067.

Allele frequency attached by ClinVar (database versions not stated): TOPMed below 0.00001; ExAC 0.00002; gnomAD 0.00002; gnomAD exomes 0.00002; ESP Exome Variant Server 0.00008.
gnomAD v4.1: 24 of 1,590,664 alleles (0.0015%); highest among the groups gnomAD compares: African/African-American, 0.004%; no homozygotes.

Submissions (10):

ClinGen Hearing Loss Variant Curation Expert Panel
Classification: Uncertain significance for Usher syndrome. Last evaluated: 2023-10-18. Review status: reviewed by expert panel. Criteria: Clingen Hl Acmg Specifications Cdh23 Coch Gjb2 Kcnq4 Myo6 Myo7a Slc26a4 Tecta Ush2a V2. Collection method: curation. Allele origin: germline. Inheritance: Autosomal recessive inheritance.
Comment: The c.1515-12G>A variant in CDH23 is an intronic variant which is located in intron 15. The highest population minor allele frequency in gnomAD v2.1.1 is 0.009% ( 2/21986) in the African/African American population (PM2_supporting, BS1, and BA1 not met). The results from 3 in silico splicing predictors including MaxEntScan indicate that this variant may affect splicing by disrupting the acceptor splice site (PP3). This variant has been detected in 3 individuals with hearing loss and 2 individuals with Usher syndrome. The individuals with Usher syndrome were compound heterozygous for the variant and a pathogenic or likely pathogenic variant; however, phase was not confirmed in trans (PM3, PP4, SCV000564845.4, SCV000804605.2). In summary, this variant is classified as uncertain significance based on the ACMG/AMP criteria applied, as specified by the ClinGen Hearing Loss VCEP: PP3, PM3, PP4 (ClinGen Hearing Loss VCEP specifications version 2; 10.18.2023).

PreventionGenetics, part of Exact Sciences
Classification: Uncertain significance for CDH23-related condition. Last evaluated: 2026-06-10. Review status: criteria provided, single submitter. Criteria: ACMG Guidelines, 2015. Collection method: clinical testing. Allele origin: germline. Not counted in ClinVar's aggregate classification.
Comment: The CDH23 c.1515-12G>A variant is predicted to interfere with splicing. This variant was reported along with a second potentially pathogenic variant in two individuals with non-syndromic hearing loss (Cesca et al. 2020. PubMed ID: 32467589; Peart et al. 2023. PubMed ID: 37996878). This variant was also reported in an additional patient; however, the only additional CDH23 variant was common and considered benign (Buonfiglio et al. 2022. PubMed ID: 34997062). This variant is reported in 0.010% of alleles in individuals of Ashkenazi Jewish descent in gnomAD. In ClinVar, this variant is classified as uncertain by ClinGen Hearing Loss Variant Curation Expert Panel and other labs, but also has one likely pathogenic entry (Variation ID: 228484). Although we suspect that this variant may be pathogenic, at this time, the clinical significance of this variant is uncertain due to the absence of conclusive functional and genetic evidence.

GeneDx
Classification: Uncertain significance. Last evaluated: 2025-11-13. Review status: criteria provided, single submitter. Criteria: GeneDx Variant Classification Process June 2021. Collection method: clinical testing. Allele origin: germline. Affected: yes. Not counted in ClinVar's aggregate classification.
Comment: Classified as a variant of uncertain significance by the ClinGen Hearing Loss Expert Panel (ClinVar SCV001245157.1; PMID: 30311386); Identified with a second CDH23 variant in patients with bilateral sensorineural hearing loss referred for genetic testing at GeneDx and in published literature (PMID: 32467589, 39182490, 37575969); In silico analysis supports a deleterious effect on splicing; This variant is associated with the following publications: (PMID: 37575969, 34997062, 40184886, 39182490, 37996878, 32467589)

Baylor Genetics
Classification: Likely pathogenic for Pituitary adenoma 5, multiple types. Last evaluated: 2023-10-30. Review status: criteria provided, single submitter. Criteria: ACMG Guidelines, 2015. Collection method: clinical testing. Allele origin: unknown. Not counted in ClinVar's aggregate classification.

Labcorp Genetics (formerly Invitae), Labcorp
Classification: Uncertain significance. Last evaluated: 2022-07-26. Review status: criteria provided, single submitter. Criteria: Invitae Variant Classification Sherloc (09022015). Collection method: clinical testing. Allele origin: germline. Not counted in ClinVar's aggregate classification.
Comment: This sequence change falls in intron 15 of the CDH23 gene. It does not directly change the encoded amino acid sequence of the CDH23 protein. This variant is present in population databases (rs369396703, gnomAD 0.01%). This variant has been observed in individual(s) with autosomal recessive deafness (PMID: 32467589). ClinVar contains an entry for this variant (Variation ID: 228484). Algorithms developed to predict the effect of sequence changes on RNA splicing suggest that this variant may disrupt the consensus splice site. In summary, the available evidence is currently insufficient to determine the role of this variant in disease. Therefore, it has been classified as a Variant of Uncertain Significance.

Blueprint Genetics
Classification: Likely pathogenic for CDH23-related disorders. Last evaluated: 2021-09-03. Review status: criteria provided, single submitter. Criteria: ACMG Guidelines, 2015. Collection method: clinical testing. Allele origin: germline. Affected: yes. Observed: 5 variant alleles. Not counted in ClinVar's aggregate classification.

INGEBI, INGEBI / CONICET
Classification: Likely pathogenic for Nonsyndromic genetic hearing loss. Last evaluated: 2021-07-15. Review status: criteria provided, single submitter. Criteria: ClinGen HL ACMG Specifications v1. Collection method: clinical testing. Allele origin: germline. Inheritance: Autosomal recessive inheritance. Affected: yes. Clinical features observed: High frequency hearing loss. Not counted in ClinVar's aggregate classification.
Comment: Already curated by HL expert panel. The allele frequency of the c.1515-12G>A variant in the CDH23 gene is 0.01% (1/9692) of Ashkenazi Jewish chromosomes by gnomAD, which is a low enough frequency to apply PM2_Supporting based on the thresholds defined by the ClinGen Hearing Loss Expert Panel for autosomal recessive hearing loss (PM2_Supporting). Computational prediction tools and conservation analysis suggest that the c.1515-12G>A variant may impact splicing (PP3). This variant was reported in two patients with Usher syndrome (GeneDx unpublished data SCV000564845.2, Human Genetics Radboudumc unpublished data SCV000804605.2) and one with sloping sensorineural hearing loss (LMM unpublished data SCV000271550.2). The probands with Usher syndrome had a suspected-pathogenic variant in CDH23 with an unknown phase (PM3; SCV000564845.2, SCV000804605.2). In this study, two siblings with non-sydromic hearing loss (high frequencies affected )carried this variant in trans with A366T applying to PP1_Sup. In summary, the clinical significance of this variant is Likely Pathogenic based on the ACMG/AMP and gene-specific hearing loss Expert panel standars and guidelines (PM2_Supporting, PM3, PP3, PP1_Sup)

Laboratory for Molecular Medicine, Mass General Brigham Personalized Medicine
Classification: Uncertain significance. Last evaluated: 2015-08-11. Review status: criteria provided, single submitter. Criteria: LMM Criteria. Collection method: clinical testing. Allele origin: germline. Observed: 1 variant allele. Not counted in ClinVar's aggregate classification.
Comment: The c.1515-12G>A variant in CDH23 has not been previously reported in individual s with hearing loss or Usher syndrome, but has been identified in 1/26694 Europe an chromosomes by the Exome Aggregation Consortium (ExAC; rs369396703). Although this variant has been seen in the general popu lation, its frequency is not high enough to rule out a pathogenic role. This var iant is located in the 3' splice region. Computational tools suggest an impact to splicing. However, this information is not predictive enough to determine pat hogenicity. In summary, the clinical significance of the c.1515-12G>A variant is uncertain.

Natera, Inc.
Classification: Uncertain significance for Usher syndrome type 1. Last evaluated: 2020-08-10. Review status: no assertion criteria provided. Collection method: clinical testing. Allele origin: germline. Not counted in ClinVar's aggregate classification.

Joint Genome Diagnostic Labs from Nijmegen and Maastricht, Radboudumc and MUMC+
Classification: Uncertain significance for Usher syndrome type 1D. Last evaluated: 2016-09-01. Review status: no assertion criteria provided. Collection method: clinical testing. Allele origin: inherited. Affected: yes. Observed: 1 variant allele. Not counted in ClinVar's aggregate classification.

Literature cited by the submitters: PubMed 32467589 (cited by Labcorp Genetics (formerly Invitae), Labcorp).

NM_022124.6(CDH23):c.1515-12G>A

Gene: CDH23 (cadherin related 23; plus strand). Cytogenetic location: 10q22.1.
Variant type: single nucleotide variant.
Coding change: c.1515-12G>A on transcript NM_022124.6 (MANE Select); 12 bases into the intron before coding-DNA position 1515, G replaced by A.
Molecular consequence: intron variant.
Genome position (GRCh38, 1-based): chr10:71,677,444, G>A. VCF-style: chr10-71677444-G-A. GRCh37 (hg19) VCF-style: chr10-73437201-G-A.
Other names: c.1515-12G>A (NM_001171930.2, NM_001171931.2).
Identifiers: ClinVar variation 228484 (VCV000228484.20), dbSNP rs369396703, ClinGen allele CA5543878.